The following is an entry in ClinVar:

ClinVar aggregate classification (germline): Uncertain significance (1 of 4 stars; one submission).

Conditions:
Neurofibromatosis, type 1 (NF1). Also called: VON RECKLINGHAUSEN DISEASE; NEUROFIBROMATOSIS, TYPE I, SOMATIC; Peripheral type neurofibromatosis; Neurofibromatosis, type I. Identifiers: Orphanet 636, MedGen C0027831, MONDO:0018975, OMIM 162200. Disease mechanism: loss of function.

Submission:

Labcorp Genetics (formerly Invitae), Labcorp
Classification: Uncertain significance for Neurofibromatosis, type 1. Last evaluated: 2023-12-27. Review status: criteria provided, single submitter. Criteria: Invitae Variant Classification Sherloc (09022015). Collection method: clinical testing. Allele origin: germline.
Comment: This sequence change replaces leucine, which is neutral and non-polar, with phenylalanine, which is neutral and non-polar, at codon 2002 of the NF1 protein (p.Leu2002Phe). This variant is not present in population databases (gnomAD no frequency). This variant has not been reported in the literature in individuals affected with NF1-related conditions. ClinVar contains an entry for this variant (Variation ID: 457778). Advanced modeling of protein sequence and biophysical properties (such as structural, functional, and spatial information, amino acid conservation, physicochemical variation, residue mobility, and thermodynamic stability) performed at Invitae indicates that this missense variant is not expected to disrupt NF1 protein function with a negative predictive value of 95%. In summary, the available evidence is currently insufficient to determine the role of this variant in disease. Therefore, it has been classified as a Variant of Uncertain Significance.

NM_001042492.3(NF1):c.6069G>C (p.Leu2023Phe)

Gene: NF1 (neurofibromin 1; plus strand). Cytogenetic location: 17q11.2.
Variant type: single nucleotide variant.
Coding change: c.6069G>C on transcript NM_001042492.3 (MANE Select); coding-DNA position 6069, G replaced by C.
Protein change: p.Leu2023Phe; replaces leucine 2023 with phenylalanine.
Molecular consequence: missense variant.
Genome position (GRCh38, 1-based): chr17:31,336,395, G>C. VCF-style: chr17-31336395-G-C. GRCh37 (hg19) VCF-style: chr17-29663413-G-C.
Other names: c.6006G>C, p.Leu2002Phe (NM_000267.4); short protein forms L2002F, L2023F.
Identifiers: ClinVar variation 457778 (VCV000457778.5), dbSNP rs1555534607, ClinGen allele CA399011200.